The following is an entry in ClinVar:

NM_001130009.3(GEN1):c.1004T>A (p.Phe335Tyr)

Gene: GEN1 (GEN1 Holliday junction 5' flap endonuclease; plus strand). Cytogenetic location: 2p24.2.
Variant type: single nucleotide variant.
Coding change: c.1004T>A on transcript NM_001130009.3 (MANE Select); coding-DNA position 1004, T replaced by A.
Protein change: p.Phe335Tyr; replaces phenylalanine 335 with tyrosine.
Molecular consequence: missense variant.
Genome position (GRCh38, 1-based): chr2:17,773,232, T>A. VCF-style: chr2-17773232-T-A. GRCh37 (hg19) VCF-style: chr2-17954499-T-A.
Other names: c.1004T>A, p.Phe335Tyr (NM_182625.5); short protein forms F335Y.
Identifiers: ClinVar variation 4029300 (VCV004029300.1).

ClinVar aggregate classification (germline): Uncertain significance (1 of 4 stars; one submission).

Submission:

Ambry Genetics
Classification: Uncertain significance. Last evaluated: 2025-05-17. Review status: criteria provided, single submitter. Criteria: Ambry Variant Classification Scheme 2023. Collection method: clinical testing. Allele origin: germline.
Comment: The p.F335Y variant (also known as c.1004T>A), located in coding exon 9 of the GEN1 gene, results from a T to A substitution at nucleotide position 1004. The phenylalanine at codon 335 is replaced by tyrosine, an amino acid with highly similar properties. This amino acid position is conserved. In addition, this alteration is predicted to be tolerated by in silico analysis. Based on the available evidence, the clinical significance of this variant remains unclear.